The following is an entry in ClinVar:

ClinVar aggregate classification (germline): Uncertain significance (1 of 4 stars; one submission).

Submission:

Labcorp Genetics (formerly Invitae), Labcorp
Classification: Uncertain significance. Last evaluated: 2023-08-24. Review status: criteria provided, single submitter. Criteria: Invitae Variant Classification Sherloc (09022015). Collection method: clinical testing. Allele origin: germline.
Comment: This variant is not present in population databases (gnomAD no frequency). In summary, the available evidence is currently insufficient to determine the role of this variant in disease. Therefore, it has been classified as a Variant of Uncertain Significance. Algorithms developed to predict the effect of sequence changes on RNA splicing suggest that this variant may disrupt the consensus splice site. An algorithm developed to predict the effect of missense changes on protein structure and function (PolyPhen-2) suggests that this variant is likely to be tolerated. ClinVar contains an entry for this variant (Variation ID: 1921863). This variant has not been reported in the literature in individuals affected with SPEG-related conditions. This sequence change replaces serine, which is neutral and polar, with asparagine, which is neutral and polar, at codon 273 of the SPEG protein (p.Ser273Asn).

NM_005876.5(SPEG):c.818G>A (p.Ser273Asn)

Gene: SPEG (striated muscle enriched protein kinase; plus strand). Cytogenetic location: 2q35.
Variant type: single nucleotide variant.
Coding change: c.818G>A on transcript NM_005876.5 (MANE Select); coding-DNA position 818, G replaced by A.
Protein change: p.Ser273Asn; replaces serine 273 with asparagine.
Molecular consequence: missense variant.
Genome position (GRCh38, 1-based): chr2:219,447,976, G>A. VCF-style: chr2-219447976-G-A. GRCh37 (hg19) VCF-style: chr2-220312698-G-A.
Other names: short protein forms S273N.
Identifiers: ClinVar variation 1921863 (VCV001921863.5), dbSNP rs2545457099, ClinGen allele CA350715372.
Genomic context (GRCh38, chr2:219,447,976, plus strand): 5'-AGGGTCTAGGAGAGGAGGCCCCCTGAATCCTCTACCCTTCTCCATCTTGGTTCTGCAGCA[G>A]CGTCCCTCAGAGCGGGTTGCGCAGGGAGGAGCCCGACCTTCAGCCTCAACTGGCCAGCGA-3'
Protein context (NP_005867.3, residues 263-283): YRGRALSIHV[Ser273Asn]VPQSGLRREE